The following is an entry in ClinVar:

NM_001267550.2(TTN):c.107105C>T (p.Pro35702Leu)

Genes: TTN (titin; minus strand), TTN-AS1 (TTN antisense RNA 1; plus strand). Cytogenetic location: 2q31.2.
Variant type: single nucleotide variant.
Coding change: c.107105C>T on transcript NM_001267550.2 (MANE Select); coding-DNA position 107105, C replaced by T.
Protein change: p.Pro35702Leu; replaces proline 35702 with leucine.
Molecular consequence: missense variant.
Genome position (GRCh38, 1-based): chr2:178,528,646, G>A on the plus strand (C>T on the coding strand, the complement: TTN is on the minus strand). VCF-style: chr2-178528646-G-A. GRCh37 (hg19) VCF-style: chr2-179393373-G-A.
Other names: p.P34061L:CCA>CTA; c.102182C>T, p.Pro34061Leu (NM_001256850.1); c.79910C>T, p.Pro26637Leu (NM_003319.4); c.99401C>T, p.Pro33134Leu (NM_133378.4); c.80285C>T, p.Pro26762Leu (NM_133432.3); c.80486C>T, p.Pro26829Leu (NM_133437.4); short protein forms P34061L, P35702L, P33134L, P26637L, P26829L, P26762L.
Identifiers: ClinVar variation 203112 (VCV000203112.21), dbSNP rs772957495, ClinGen allele CA311280.
Genomic context (GRCh38, chr2:178,528,646, plus strand): 5'-GTAAAGAGAACATTTTGTCCTTCATTAATATTTTGAGATCTAGGCTGTGAGATGAAGGCT[G>A]GAGCATCTGAGAGTTCTTTGCTCAGTGTCAAATCATACTGACACTTGACGATTCCTTCCT-3'
Protein context (NP_001254479.2, residues 35692-35712): LTLSKELSDA[Pro35702Leu]AFISQPRSQN

ClinVar aggregate classification (germline): Conflicting classifications of pathogenicity. Review status: criteria provided, conflicting classifications (1 of 4 stars). 11 submissions from 11 submitters: Uncertain significance (8); Likely benign (3). Last evaluated 2026-08-01.

Conditions:
TTN-related disorder. Also called: TTN-related disorders; TTN-related condition; TTN-related disease.
Cardiovascular phenotype. Identifiers: MedGen CN230736.
Myopathy, myofibrillar, 9, with early respiratory failure (MFM9). Also called: Hereditary myopathy with early respiratory failure; EDSTROM MYOPATHY; MYOPATHY, PROXIMAL, WITH EARLY RESPIRATORY MUSCLE INVOLVEMENT; Myopathy, distal, with early respiratory failure, autosomal dominant. Identifiers: Orphanet 178464, Orphanet 34521, MedGen C1863599, MONDO:0011362, OMIM 603689.
Tibial muscular dystrophy (TMD). Also called: Tibial muscular dystrophy, tardive; UDD MYOPATHY; Udd Distal Myopathy – Tibial Muscular Dystrophy. Identifiers: Orphanet 609, MedGen C1838244, MONDO:0010870, OMIM 600334.
Autosomal recessive limb-girdle muscular dystrophy type 2J (LGMDR10). Also called: Limb-girdle muscular dystrophy, type 2J; MUSCULAR DYSTROPHY, LIMB-GIRDLE, AUTOSOMAL RECESSIVE 10. Identifiers: Orphanet 140922, MedGen C1837342, MONDO:0012127, OMIM 608807.
Dilated cardiomyopathy 1G (CMD1G). Identifiers: Orphanet 154, MedGen C1858763, MONDO:0011400, OMIM 604145.
Hypertrophic cardiomyopathy 9. Also called: Familial hypertrophic cardiomyopathy 9. Identifiers: MedGen C1861065, MONDO:0013412, OMIM 613765.
Early-onset myopathy with fatal cardiomyopathy (CMYO5). Also called: Salih Myopathy; CONGENITAL MYOPATHY 5 WITH CARDIOMYOPATHY. Identifiers: Orphanet 289377, MedGen C2673677, MONDO:0012714, OMIM 611705. Disease mechanism: loss of function.
Hypertrophic cardiomyopathy. Also called: HYPERTROPHIC MYOCARDIOPATHY. Identifiers: Orphanet 217569, MedGen C0007194, MeSH D002312, MONDO:0005045, HP:0001639.

Allele frequency attached by ClinVar (database versions not stated): ExAC 0.00020; gnomAD exomes 0.00023 and 0.00015; TOPMed 0.00006; gnomAD 0.00007 and 0.00008.
gnomAD v4.1: 329 of 1,612,788 alleles (0.02%); highest among the groups gnomAD compares: Non-Finnish European, 0.028%; no homozygotes.

Submissions (11):

CeGaT Center for Human Genetics Tuebingen
Classification: Uncertain significance. Last evaluated: 2026-08-01. Review status: criteria provided, single submitter. Criteria: CeGaT Center For Human Genetics Tuebingen Variant Classification Criteria Version 2. Collection method: clinical testing. Allele origin: germline. Affected: yes. Observed: 1 variant allele.

PreventionGenetics, part of Exact Sciences
Classification: Likely benign for TTN-related condition. Last evaluated: 2025-04-16. Review status: criteria provided, single submitter. Criteria: ACMG Guidelines, 2015. Collection method: clinical testing. Allele origin: germline.
Comment: This variant is classified as likely benign based on ACMG/AMP sequence variant interpretation guidelines (Richards et al. 2015 PMID: 25741868, with internal and published modifications).

Revvity Omics, Revvity
Classification: Uncertain significance. Last evaluated: 2024-12-03. Review status: criteria provided, single submitter. Criteria: ACMG Guidelines, 2015. Collection method: clinical testing. Allele origin: germline.

Blueprint Genetics
Classification: Likely benign. Last evaluated: 2024-07-31. Review status: criteria provided, single submitter. Criteria: ACMG Guidelines, 2015. Collection method: clinical testing. Allele origin: germline.

Women's Health and Genetics/Laboratory Corporation of America, LabCorp
Classification: Uncertain significance. Last evaluated: 2022-11-14. Review status: criteria provided, single submitter. Criteria: LabCorp Variant Classification Summary - May 2015. Collection method: clinical testing. Allele origin: germline.
Comment: Variant summary: TTN c.99401C>T (p.Pro33134Leu) results in a non-conservative amino acid change located in the M band region of the encoded protein sequence. Four of four in-silico tools predict a damaging effect of the variant on protein function. The variant allele was found at a frequency of 0.00015 in 246726 control chromosomes (gnomAD). This frequency is not higher than predicted for a pathogenic variant in TTN causing Dilated Cardiomyopathy (0.00015 vs 0.00039), allowing no conclusion about variant significance. c.99401C>T has been reported in the literature in individuals from DCM cohorts (examples: Guelly_2021 and Verhagen_2018). At-least one publication reported this variant as likely benign (Guelly_2021). These report(s) do not provide unequivocal conclusions about association of the variant with Dilated Cardiomyopathy. To our knowledge, no experimental evidence demonstrating an impact on protein function has been reported. Five clinical diagnostic laboratories have submitted clinical-significance assessments for this variant to ClinVar after 2014 and classified the variant as VUS (n=4) and likely benign (n=1). Based on the evidence outlined above, the variant was classified as uncertain significance.

Ambry Genetics
Classification: Uncertain significance for Cardiovascular phenotype. Last evaluated: 2018-11-08. Review status: criteria provided, single submitter. Criteria: Ambry Variant Classification Scheme 2023. Collection method: clinical testing. Allele origin: germline.
Comment: The p.P26637L variant (also known as c.79910C>T), located in coding exon 187 of the TTN gene, results from a C to T substitution at nucleotide position 79910. The proline at codon 26637 is replaced by leucine, an amino acid with similar properties. This variant (reported as p.P35702L, c.107105C>T) was detected in a cardiomyopathy cohort; however, clinical details were not provided (Verhagen JMA et al. Eur J Hum Genet. 2018;26:1603-1610). This amino acid position is highly conserved in available vertebrate species. In addition, the in silico prediction for this alteration is inconclusive. Since supporting evidence is limited at this time, the clinical significance of this alteration remains unclear.

Fulgent Genetics
Classification: Uncertain significance for Tibial muscular dystrophy; Myopathy, myofibrillar, 9, with early respiratory failure; Dilated cardiomyopathy 1G; Autosomal recessive limb-girdle muscular dystrophy type 2J; Early-onset myopathy with fatal cardiomyopathy; Hypertrophic cardiomyopathy 9. Last evaluated: 2018-10-31. Review status: criteria provided, single submitter. Criteria: ACMG Guidelines, 2015. Collection method: clinical testing. Allele origin: unknown.

Center for Advanced Laboratory Medicine, UC San Diego Health, University of California San Diego
Classification: Uncertain significance for Hypertrophic cardiomyopathy. Last evaluated: 2018-10-30. Review status: criteria provided, single submitter. Criteria: ACMG Guidelines, 2015. Collection method: clinical testing. Allele origin: germline. Affected: yes. Observed: 1 variant allele.

GeneDx
Classification: Likely benign. Last evaluated: 2018-07-06. Review status: criteria provided, single submitter. Criteria: GeneDx Variant Classification Process June 2021. Collection method: clinical testing. Allele origin: germline. Affected: yes.

Eurofins Ntd Llc (ga)
Classification: Uncertain significance. Last evaluated: 2018-06-08. Review status: criteria provided, single submitter. Criteria: EGL ClinVar v180209 classification definitions. Collection method: clinical testing. Allele origin: germline. Observed: 2 variant alleles, 2 heterozygotes.

Labcorp Genetics (formerly Invitae), Labcorp
Classification: Uncertain significance for Dilated cardiomyopathy 1G; Autosomal recessive limb-girdle muscular dystrophy type 2J. Last evaluated: 2017-06-09. Review status: criteria provided, single submitter. Criteria: Invitae Variant Classification Sherloc (09022015). Collection method: clinical testing. Allele origin: germline.

Literature cited by the submitters: PubMed 33552729 (cited by Women's Health and Genetics/Laboratory Corporation of America, LabCorp); PubMed 29988065 (cited by Women's Health and Genetics/Laboratory Corporation of America, LabCorp and Ambry Genetics).